The following is an entry in ClinVar:

ClinVar aggregate classification (germline): Uncertain significance (1 of 4 stars; one submission).

Conditions:
Xeroderma pigmentosum, group F (XPF). Also called: ERCC4-Related Xeroderma Pigmentosum; XERODERMA PIGMENTOSUM, COMPLEMENTATION GROUP F; XERODERMA PIGMENTOSUM VI; XP, GROUP F; XERODERMA PIGMENTOSUM, TYPE F; Xeroderma pigmentosum, type 6. Identifiers: MedGen C0268140, MONDO:0010215, OMIM 278760.
Fanconi anemia complementation group Q. Identifiers: Orphanet 84, MedGen C3808988, MONDO:0014108, OMIM 615272.
Cockayne syndrome. Identifiers: Orphanet 191, MedGen C0009207, MONDO:0016006.

gnomAD v4.1: 1 of 1,613,672 alleles (0.000062%); highest among the groups gnomAD compares: South Asian, 0.0011%; no homozygotes.

Submission:

Labcorp Genetics (formerly Invitae), Labcorp
Classification: Uncertain significance for Fanconi anemia complementation group Q; Xeroderma pigmentosum, group F; Cockayne syndrome. Last evaluated: 2022-11-02. Review status: criteria provided, single submitter. Criteria: Invitae Variant Classification Sherloc (09022015). Collection method: clinical testing. Allele origin: germline.
Comment: This sequence change replaces aspartic acid, which is acidic and polar, with tyrosine, which is neutral and polar, at codon 271 of the ERCC4 protein (p.Asp271Tyr). This variant is not present in population databases (gnomAD no frequency). This variant has not been reported in the literature in individuals affected with ERCC4-related conditions. Advanced modeling of protein sequence and biophysical properties (such as structural, functional, and spatial information, amino acid conservation, physicochemical variation, residue mobility, and thermodynamic stability) performed at Invitae indicates that this missense variant is expected to disrupt ERCC4 protein function. In summary, the available evidence is currently insufficient to determine the role of this variant in disease. Therefore, it has been classified as a Variant of Uncertain Significance.

NM_005236.3(ERCC4):c.811G>T (p.Asp271Tyr)

Gene: ERCC4 (ERCC excision repair 4, endonuclease catalytic subunit; plus strand). Cytogenetic location: 16p13.12.
Variant type: single nucleotide variant.
Coding change: c.811G>T on transcript NM_005236.3 (MANE Select); coding-DNA position 811, G replaced by T.
Protein change: p.Asp271Tyr; replaces aspartic acid 271 with tyrosine.
Molecular consequence: missense variant.
Genome position (GRCh38, 1-based): chr16:13,930,728, G>T. VCF-style: chr16-13930728-G-T. GRCh37 (hg19) VCF-style: chr16-14024585-G-T.
Other names: short protein forms D271Y.
Identifiers: ClinVar variation 2930438 (VCV002930438.3), dbSNP rs1184125129, ClinGen allele CA394803807.
Genomic context (GRCh38, chr16:13,930,728, plus strand): 5'-CTTAACATATTTTAGCAATACCAAATTTTATTCTTGTTTTAGACAATCCGCCATTATCTG[G>T]ATCCTTTGTGGCACCAGCTTGGAGCCAAGACTAAATCCTTAGTTCAGGATTTGAAGATAT-3'
Protein context (NP_005227.1, residues 261-281): PFDKTIRHYL[Asp271Tyr]PLWHQLGAKT